The following is an entry in ClinVar:

ClinVar aggregate classification (germline): Pathogenic. Review status: no assertion criteria provided (0 of 4 stars). 2 submissions from 2 submitters: Pathogenic (1). 1 of the submissions does not count toward it. Last evaluated 2002-07-01.

Conditions:
Chronic infantile neurological, cutaneous and articular syndrome (CINCA). Also called: CHRONIC NEUROLOGIC CUTANEOUS AND ARTICULAR SYNDROME; CINCA syndrome; CRYOPYRIN-ASSOCIATED PERIODIC SYNDROME 3; Prieur Griscelli syndrome. Identifiers: Orphanet 1451, MedGen C0409818, MONDO:0011776, OMIM 607115.
Familial cold autoinflammatory syndrome 1 (FCAS1). Also called: CRYOPYRIN-ASSOCIATED PERIODIC SYNDROME 1; Familial cold inflammatory syndrome 1. Identifiers: Orphanet 47045, MedGen C4551895, MONDO:0007349, OMIM 120100.

Submissions (2):

OMIM
Classification: Pathogenic for CINCA SYNDROME. Last evaluated: 2002-07-01. Review status: no assertion criteria provided. Collection method: literature only. Allele origin: germline.

Unité médicale des maladies autoinflammatoires, CHRU Montpellier
No classification provided. Condition: Familial cold urticaria. Review status: no classification provided. Collection method: not provided. Allele origin: unknown. Not counted in ClinVar's aggregate classification.
Comment: also involved in OMIM 191900 and 607115

Literature cited by the submitters: PubMed 12032915 (cited by OMIM).

NM_001243133.2(NLRP3):c.1718T>C (p.Phe573Ser)

Gene: NLRP3 (NLR family pyrin domain containing 3; plus strand). Cytogenetic location: 1q44.
Variant type: single nucleotide variant.
Coding change: c.1718T>C on transcript NM_001243133.2 (MANE Select); coding-DNA position 1718, T replaced by C.
Protein change: p.Phe573Ser; replaces phenylalanine 573 with serine.
Molecular consequence: missense variant.
Genome position (GRCh38, 1-based): chr1:247,425,167, T>C. VCF-style: chr1-247425167-T-C. GRCh37 (hg19) VCF-style: chr1-247588469-T-C.
Other names: c.1718T>C, p.Phe573Ser (NM_001079821.3, NM_001127461.3, NM_001127462.3 and 1 more transcripts); c.1724T>C, p.Phe575Ser (NM_004895.5); short protein forms F573S, F575S.
Identifiers: ClinVar variation 4376 (VCV000004376.1), dbSNP rs121908152, ClinGen allele CA116792.